The following is an entry in ClinVar:

ClinVar aggregate classification (germline): Uncertain significance (1 of 4 stars; one submission).

Conditions:
PLXNA4-related disorder. Also called: PLXNA4-related condition.

Allele frequency attached by ClinVar (database versions not stated): gnomAD exomes 0.00003; ExAC 0.00007; gnomAD 0.00018; TOPMed 0.00020.
gnomAD v4.1: 71 of 1,613,902 alleles (0.0044%); highest among the groups gnomAD compares: African/African-American, 0.065%; no homozygotes.

Submission:

PreventionGenetics, part of Exact Sciences
Classification: Uncertain significance for PLXNA4-related condition. Last evaluated: 2026-03-11. Review status: criteria provided, single submitter. Criteria: ACMG Guidelines, 2015. Collection method: clinical testing. Allele origin: germline.
Comment: The PLXNA4 c.1127G>A variant is predicted to result in the amino acid substitution p.Arg376Gln. To our knowledge, this variant has not been reported in the literature. This variant is reported in 0.068% of alleles in individuals of African descent in gnomAD, which is likely too frequent to be a primary cause of disease. Although we suspect that this variant may be benign, the clinical significance of this variant is uncertain at this time due to the absence of conclusive functional and genetic evidence.

NM_020911.2(PLXNA4):c.1127G>A (p.Arg376Gln)

Gene: PLXNA4 (plexin A4; minus strand). Cytogenetic location: 7q32.3.
Variant type: single nucleotide variant.
Coding change: c.1127G>A on transcript NM_020911.2 (MANE Select); coding-DNA position 1127, G replaced by A.
Protein change: p.Arg376Gln; replaces arginine 376 with glutamine.
Molecular consequence: missense variant.
Genome position (GRCh38, 1-based): chr7:132,507,567, C>T on the plus strand (G>A on the coding strand, the complement: PLXNA4 is on the minus strand). VCF-style: chr7-132507567-C-T. GRCh37 (hg19) VCF-style: chr7-132192326-C-T.
Other names: c.1127G>A, p.Arg376Gln (NM_001105543.2, NM_001393897.1, NM_181775.4); short protein forms R376Q.
Identifiers: ClinVar variation 2636130 (VCV002636130.4), dbSNP rs781160773, ClinGen allele CA4490368.
Genomic context (GRCh38, chr7:132,507,567, plus strand): 5'-GCACTGCTGCAGGGGATGTCCTTCACCTTGAGCCAGGCCAGGTCCAGCGTGCCCTCGCCC[C>T]GGTAACAAGACTGCAGCCGCTCCTTAATGCGGTCATTTATCTGCTTCAAGATGAAGATGC-3'
Protein context (NP_065962.1, residues 366-386): RIKERLQSCY[Arg376Gln]GEGTLDLAWL